The following is an entry in ClinVar:

NM_000548.5(TSC2):c.482-6C>G

Gene: TSC2 (TSC complex subunit 2; plus strand). Cytogenetic location: 16p13.3.
Variant type: single nucleotide variant.
Coding change: c.482-6C>G on transcript NM_000548.5 (MANE Select); 6 bases into the intron before coding-DNA position 482, C replaced by G.
Molecular consequence: intron variant.
Genome position (GRCh38, 1-based): chr16:2,055,396, C>G. VCF-style: chr16-2055396-C-G. GRCh37 (hg19) VCF-style: chr16-2105397-C-G.
Other names: c.482-6C>G (NM_001114382.3, NM_021055.3, NM_001370405.1 and 3 more transcripts); c.371-6C>G (NM_001318827.2); c.-1-800C>G (NM_001318831.2); c.335-6C>G (NM_001318829.2); c.515-6C>G (NM_001318832.2).
Identifiers: ClinVar variation 2103113 (VCV002103113.5), dbSNP rs1372293593, ClinGen allele CA2580090669.

ClinVar aggregate classification (germline): Uncertain significance. Review status: criteria provided, multiple submitters, no conflicts (2 of 4 stars). 2 submissions from 2 submitters: Uncertain significance (2). Last evaluated 2025-05-28.

Conditions:
Tuberous sclerosis syndrome (TSC). Also called: Tuberous sclerosis; Tuberous Sclerosis Complex. Identifiers: Orphanet 805, MedGen C0041341, MONDO:0001734.
Tuberous sclerosis 2 (TSC2). Identifiers: Orphanet 805, MedGen C1860707, MONDO:0013199, OMIM 613254.

Allele frequency attached by ClinVar (database versions not stated): gnomAD exomes 0.00001.
gnomAD v4.1: 3 of 1,613,624 alleles (0.00019%); highest among the groups gnomAD compares: Non-Finnish European, 0.00025%; no homozygotes.

Submissions (2):

Color Diagnostics, LLC DBA Color Health
Classification: Uncertain significance for Tuberous sclerosis syndrome. Last evaluated: 2025-05-28. Review status: criteria provided, single submitter. Criteria: ACMG Guidelines, 2015. Collection method: clinical testing. Allele origin: germline.
Comment: This variant causes a C to G nucleotide substitution at the -6 position of intron 5/41 of the TSC2 gene. Splice prediction tools suggest that this variant may disrupt RNA splicing. To our knowledge, RNA studies have not been reported for this variant. This variant has not been reported in individuals affected with TSC2-related disorders in the literature. This variant has not been identified in the general population by the Genome Aggregation Database (gnomAD). The available evidence is insufficient to determine the role of this variant in disease conclusively. Therefore, this variant is classified as a Variant of Uncertain Significance.

Labcorp Genetics (formerly Invitae), Labcorp
Classification: Uncertain significance for Tuberous sclerosis 2. Last evaluated: 2022-02-24. Review status: criteria provided, single submitter. Criteria: Invitae Variant Classification Sherloc (09022015). Collection method: clinical testing. Allele origin: germline.
Comment: In summary, the available evidence is currently insufficient to determine the role of this variant in disease. Therefore, it has been classified as a Variant of Uncertain Significance. Algorithms developed to predict the effect of sequence changes on RNA splicing suggest that this variant may disrupt the consensus splice site. This variant has not been reported in the literature in individuals affected with TSC2-related conditions. This variant is not present in population databases (gnomAD no frequency). This sequence change falls in intron 5 of the TSC2 gene. It does not directly change the encoded amino acid sequence of the TSC2 protein.